The following is an entry in ClinVar:

NM_199420.4(POLQ):c.6221G>T (p.Arg2074Leu)

Gene: POLQ (DNA polymerase theta; minus strand). Cytogenetic location: 3q13.33.
Variant type: single nucleotide variant.
Coding change: c.6221G>T on transcript NM_199420.4 (MANE Select); coding-DNA position 6221, G replaced by T.
Protein change: p.Arg2074Leu; replaces arginine 2074 with leucine.
Molecular consequence: missense variant.
Genome position (GRCh38, 1-based): chr3:121,476,724, C>A on the plus strand (G>T on the coding strand, the complement: POLQ is on the minus strand). VCF-style: chr3-121476724-C-A. GRCh37 (hg19) VCF-style: chr3-121195571-C-A.
Other names: short protein forms R2074L.
Identifiers: ClinVar variation 1752300 (VCV001752300.2), dbSNP rs548651855, ClinGen allele CA354087176.

ClinVar aggregate classification (germline): Uncertain significance (1 of 4 stars; one submission).

gnomAD v4.1: 4 of 1,596,490 alleles (0.00025%); highest among the groups gnomAD compares: Admixed American, 0.0018%; no homozygotes.

Submission:

Ambry Genetics
Classification: Uncertain significance. Last evaluated: 2022-06-04. Review status: criteria provided, single submitter. Criteria: Ambry Variant Classification Scheme 2023. Collection method: clinical testing. Allele origin: germline.
Comment: The p.R2074L variant (also known as c.6221G>T), located in coding exon 20 of the POLQ gene, results from a G to T substitution at nucleotide position 6221. The arginine at codon 2074 is replaced by leucine, an amino acid with dissimilar properties. This amino acid position is conserved. In addition, this alteration is predicted to be tolerated by in silico analysis. Since supporting evidence is limited at this time, the clinical significance of this alteration remains unclear.